The following is an entry in ClinVar:

ClinVar aggregate classification (germline): Conflicting classifications of pathogenicity. Review status: criteria provided, conflicting classifications (1 of 4 stars). 3 submissions from 3 submitters: Uncertain significance (2); Likely benign (1). Last evaluated 2021-12-06.

Allele frequency attached by ClinVar (database versions not stated): gnomAD exomes below 0.00001; ExAC 0.00001; gnomAD 0.00001; TOPMed 0.00001.
gnomAD v4.1: 5 of 1,544,760 alleles (0.00032%); highest among the groups gnomAD compares: African/African-American, 0.0014%; no homozygotes.

Submissions (3):

Labcorp Genetics (formerly Invitae), Labcorp
Classification: Uncertain significance. Last evaluated: 2021-12-06. Review status: criteria provided, single submitter. Criteria: Invitae Variant Classification Sherloc (09022015). Collection method: clinical testing. Allele origin: germline.
Comment: This sequence change replaces isoleucine, which is neutral and non-polar, with valine, which is neutral and non-polar, at codon 3356 of the ADGRV1 protein (p.Ile3356Val). This variant is present in population databases (rs727503078, gnomAD 0.0009%). This variant has not been reported in the literature in individuals affected with ADGRV1-related conditions. ClinVar contains an entry for this variant (Variation ID: 163593). Algorithms developed to predict the effect of missense changes on protein structure and function output the following: SIFT: "Tolerated"; PolyPhen-2: "Benign"; Align-GVGD: "Class C0". The valine amino acid residue is found in multiple mammalian species, which suggests that this missense change does not adversely affect protein function. In summary, the available evidence is currently insufficient to determine the role of this variant in disease. Therefore, it has been classified as a Variant of Uncertain Significance.

Eurofins Ntd Llc (ga)
Classification: Uncertain significance. Last evaluated: 2018-04-03. Review status: criteria provided, single submitter. Criteria: EGL ClinVar v180209 classification definitions. Collection method: clinical testing. Allele origin: germline. Observed: 1 variant allele, 1 heterozygote.

Laboratory for Molecular Medicine, Mass General Brigham Personalized Medicine
Classification: Likely benign. Last evaluated: 2013-06-21. Review status: criteria provided, single submitter. Criteria: LMM Criteria. Collection method: clinical testing. Allele origin: germline. Observed: 1 variant allele.
Comment: Ile3356Val in exon 48 of GPR98: This variant is not expected to have clinical si gnificance due to a lack of conservation across species, including mammals. Of n ote, rhesus, baboon, rat and horse have a valine (Val) at this position despite high nearby amino acid conservation.

NM_032119.4(ADGRV1):c.10066A>G (p.Ile3356Val)

Gene: ADGRV1 (adhesion G protein-coupled receptor V1; plus strand). Cytogenetic location: 5q14.3.
Variant type: single nucleotide variant.
Coding change: c.10066A>G on transcript NM_032119.4 (MANE Select); coding-DNA position 10066, A replaced by G.
Protein change: p.Ile3356Val; replaces isoleucine 3356 with valine.
Molecular consequence: missense variant. On other transcripts: non-coding transcript variant (1).
Genome position (GRCh38, 1-based): chr5:90,725,561, A>G. VCF-style: chr5-90725561-A-G. GRCh37 (hg19) VCF-style: chr5-90021378-A-G.
Other names: short protein forms I3356V.
Identifiers: ClinVar variation 163593 (VCV000163593.10), dbSNP rs727503078, ClinGen allele CA176212.